The following is an entry in ClinVar:

ClinVar aggregate classification (germline): Uncertain significance. Review status: criteria provided, multiple submitters, no conflicts (2 of 4 stars). 2 submissions from 2 submitters: Uncertain significance (2). Last evaluated 2024-05-13.

Conditions:
Asphyxiating thoracic dystrophy 5 (SRTD5). Also called: SHORT-RIB THORACIC DYSPLASIA 5 WITH OR WITHOUT POLYDACTYLY; SHORT-RIB THORACIC DYSPLASIA 5 WITHOUT POLYDACTYLY. Identifiers: Orphanet 474, MedGen C3280598, MONDO:0013717, OMIM 614376.
Senior-Loken syndrome 8 (SLSN8). Identifiers: Orphanet 3156, MedGen C4225376, MONDO:0014579, OMIM 616307.
Cranioectodermal dysplasia 4 (CED4). Identifiers: Orphanet 1515, MedGen C3280616, MONDO:0013719, OMIM 614378.
Nephronophthisis 13 (NPHP13). Identifiers: Orphanet 655, MedGen C3280612, MONDO:0013718, OMIM 614377.
Spermatogenic failure 72 (SPGF72). Identifiers: MedGen C5676980, MONDO:0030809, OMIM 619867.

Allele frequency attached by ClinVar (database versions not stated): gnomAD exomes below 0.00001; ExAC 0.00001.
gnomAD v4.1: 1 of 1,610,028 alleles (0.000062%); highest among the groups gnomAD compares: Non-Finnish European, 0.000085%; no homozygotes.

Submissions (2):

Fulgent Genetics
Classification: Uncertain significance for Asphyxiating thoracic dystrophy 5; Nephronophthisis 13; Cranioectodermal dysplasia 4; Senior-Loken syndrome 8; Spermatogenic failure 72. Last evaluated: 2024-05-13. Review status: criteria provided, single submitter. Criteria: ACMG Guidelines, 2015. Collection method: clinical testing. Allele origin: germline.

Labcorp Genetics (formerly Invitae), Labcorp
Classification: Uncertain significance for Senior-Loken syndrome 8; Asphyxiating thoracic dystrophy 5. Last evaluated: 2022-04-15. Review status: criteria provided, single submitter. Criteria: Invitae Variant Classification Sherloc (09022015). Collection method: clinical testing. Allele origin: germline.
Comment: Algorithms developed to predict the effect of sequence changes on RNA splicing suggest that this variant may create or strengthen a splice site. This variant has not been reported in the literature in individuals affected with WDR19-related conditions. This variant is present in population databases (rs766279512, gnomAD 0.002%). This sequence change falls in intron 32 of the WDR19 gene. It does not directly change the encoded amino acid sequence of the WDR19 protein. In summary, the available evidence is currently insufficient to determine the role of this variant in disease. Therefore, it has been classified as a Variant of Uncertain Significance.

NM_025132.4(WDR19):c.3566-6T>A

Gene: WDR19 (WD repeat domain 19; plus strand). Cytogenetic location: 4p14.
Variant type: single nucleotide variant.
Coding change: c.3566-6T>A on transcript NM_025132.4 (MANE Select); 6 bases into the intron before coding-DNA position 3566, T replaced by A.
Molecular consequence: intron variant.
Genome position (GRCh38, 1-based): chr4:39,274,802, T>A. VCF-style: chr4-39274802-T-A. GRCh37 (hg19) VCF-style: chr4-39276422-T-A.
Other names: c.3086-6T>A (NM_001317924.2).
Identifiers: ClinVar variation 1978735 (VCV001978735.5), dbSNP rs766279512, ClinGen allele CA2892428.
Genomic context (GRCh38, chr4:39,274,802, plus strand): 5'-ATCCCGCCTGTATCACTGAGGACAGCAGACACTGTGCTGTTGCTGCTCTCCCCTTTTCTC[T>A]TGCAGACATTGTACCCATCCTGACGTCAACTGTGATTGAGTGTCACAGGGCAGGCCTGAA-3'